The following is an entry in ClinVar:

NM_000062.3(SERPING1):c.778G>T (p.Glu260Ter)

Gene: SERPING1 (serpin family G member 1; plus strand). Cytogenetic location: 11q12.1.
Variant type: single nucleotide variant.
Coding change: c.778G>T on transcript NM_000062.3 (MANE Select); coding-DNA position 778, G replaced by T.
Protein change: p.Glu260Ter; replaces glutamic acid 260 with a stop codon.
Molecular consequence: nonsense.
Genome position (GRCh38, 1-based): chr11:57,606,102, G>T. VCF-style: chr11-57606102-G-T. GRCh37 (hg19) VCF-style: chr11-57373575-G-T.
Other names: c.778G>T, p.Glu260Ter (NM_001032295.2); short protein forms E260*.
Identifiers: ClinVar variation 3031921 (VCV003031921.2), dbSNP rs2495440825, ClinGen allele CA380699141.

ClinVar aggregate classification (germline): Pathogenic (0 of 4 stars; one submission).

Conditions:
SERPING1-related disorder. Also called: SERPING1-related condition.

Submission:

PreventionGenetics, part of Exact Sciences
Classification: Pathogenic for SERPING1-related condition. Last evaluated: 2023-12-07. Review status: no assertion criteria provided. Collection method: clinical testing. Allele origin: germline.
Comment: The SERPING1 c.778G>T variant is predicted to result in premature protein termination (p.Glu260*). This variant was reported in an individual with hereditary angioedema (Roche. 2005. PubMed ID: 15971231). This variant has not been reported in a large population database, indicating this variant is rare. Nonsense variants in SERPING1 are expected to be pathogenic. This variant is interpreted as pathogenic.